The following is an entry in ClinVar:

ClinVar aggregate classification (germline): Likely benign. Review status: criteria provided, multiple submitters, no conflicts (2 of 4 stars). 2 submissions from 2 submitters: Likely benign (2). Last evaluated 2024-09-23.

Conditions:
Long QT syndrome (LQTS). Identifiers: MedGen C0023976, MeSH D008133, MONDO:0002442. Disease mechanism: loss of function. Inheritance: Various modes of inheritance.
Cardiac arrhythmia. Also called: Cardiac rhythm disease; Arrhythmia. Identifiers: MedGen C0003811, MONDO:0007263, HP:0011675.

Allele frequency attached by ClinVar (database versions not stated): gnomAD exomes 0.00002 and 0.00001; ExAC 0.00003; gnomAD 0.00001.
gnomAD v4.1: 11 of 1,613,942 alleles (0.00068%); highest among the groups gnomAD compares: Non-Finnish European, 0.00093%; no homozygotes.

Submissions (2):

All of Us Research Program, National Institutes of Health
Classification: Likely benign for Long QT syndrome. Last evaluated: 2024-09-23. Review status: criteria provided, single submitter. Criteria: ACMG Guidelines, 2015. Collection method: clinical testing. Allele origin: germline. Inheritance: Autosomal dominant inheritance. Observed: 1 variant allele, 1 heterozygote.
Comment: This study involves interpretation of variants in research participants for the purpose of population health screening. Participant phenotype was not available at the time of variant classification. Additional details can be found in publication PMID: 35346344, PMCID: PMC8962531

Color Diagnostics, LLC DBA Color Health
Classification: Likely benign for Arrhythmia. Last evaluated: 2019-04-26. Review status: criteria provided, single submitter. Criteria: ACMG Guidelines, 2015. Collection method: clinical testing. Allele origin: germline.

NM_000238.4(KCNH2):c.1164C>T (p.Tyr388=)

Gene: KCNH2 (potassium voltage-gated channel subfamily H member 2; minus strand). Cytogenetic location: 7q36.1.
Variant type: single nucleotide variant.
Coding change: c.1164C>T on transcript NM_000238.4 (MANE Select); coding-DNA position 1164, C replaced by T.
Protein change: p.Tyr388=; no amino-acid change (tyrosine 388 retained).
Molecular consequence: synonymous variant. On other transcripts: non-coding transcript variant (2).
Genome position (GRCh38, 1-based): chr7:150,952,818, G>A on the plus strand (C>T on the coding strand, the complement: KCNH2 is on the minus strand). VCF-style: chr7-150952818-G-A. GRCh37 (hg19) VCF-style: chr7-150649906-G-A.
Other names: c.144C>T, p.Tyr48= (NM_001204798.2, NM_172057.3); c.876C>T, p.Tyr292= (NM_001406753.1, NM_001406756.1); c.987C>T, p.Tyr329= (NM_001406755.1); c.864C>T, p.Tyr288= (NM_001406757.1); c.1164C>T, p.Tyr388= (NM_172056.3).
Identifiers: ClinVar variation 924187 (VCV000924187.6), dbSNP rs775391226, ClinGen allele CA027286.
Genomic context (GRCh38, chr7:150,952,818, plus strand): 5'-GGCCTTGAAGGGGCTGTAATGCAGGATGGTCCAGCGGTGGATGCGCGGTGCCTGCAGCTT[G>A]TACTCAGGCAGCACGTCGGCGCCCAGGGACAGGACCTGCACCCGGGGAAGGCGGAGGTGT-3'
Protein context (NP_000229.1, residues 378-398): LSLGADVLPE[Tyr388=]KLQAPRIHRW